The following is an entry in ClinVar:

ClinVar aggregate classification (germline): Uncertain significance. Review status: criteria provided, multiple submitters, no conflicts (2 of 4 stars). 2 submissions from 2 submitters: Uncertain significance (2). Last evaluated 2026-07-07.

Conditions:
Haddad syndrome (OHD). Also called: Ondine-Hirschsprung disease. Identifiers: Orphanet 99803, MedGen C1859049, MONDO:0020493.
Hereditary cancer-predisposing syndrome. Also called: Hereditary Cancer Syndrome; Hereditary neoplastic syndrome; Neoplastic Syndromes, Hereditary; Tumor predisposition. Identifiers: Orphanet 140162, MedGen C0027672, MeSH D009386, MONDO:0015356.

Allele frequency attached by ClinVar (database versions not stated): gnomAD exomes below 0.00001.
gnomAD v4.1: 1 of 1,257,658 alleles (0.00008%); no homozygotes.

Submissions (2):

Ambry Genetics
Classification: Uncertain significance for Hereditary cancer-predisposing syndrome. Last evaluated: 2026-07-07. Review status: criteria provided, single submitter. Criteria: Ambry Variant Classification Scheme 2023. Collection method: clinical testing. Allele origin: germline.
Comment: The p.A258T variant (also known as c.772G>A), located in coding exon 3 of the PHOX2B gene, results from a G to A substitution at nucleotide position 772. The alanine at codon 258 is replaced by threonine, an amino acid with similar properties. This amino acid position is conserved. In addition, this alteration is predicted to be tolerated by in silico analysis. Based on the available evidence, the clinical significance of this variant remains unclear.

Labcorp Genetics (formerly Invitae), Labcorp
Classification: Uncertain significance for Haddad syndrome. Last evaluated: 2023-09-27. Review status: criteria provided, single submitter. Criteria: Invitae Variant Classification Sherloc (09022015). Collection method: clinical testing. Allele origin: germline.
Comment: This sequence change replaces alanine, which is neutral and non-polar, with threonine, which is neutral and polar, at codon 258 of the PHOX2B protein (p.Ala258Thr). This variant is present in population databases (rs771759878, gnomAD 0.02%). This variant has not been reported in the literature in individuals affected with PHOX2B-related conditions. Experimental studies and prediction algorithms are not available or were not evaluated, and the functional significance of this variant is currently unknown. In summary, the available evidence is currently insufficient to determine the role of this variant in disease. Therefore, it has been classified as a Variant of Uncertain Significance.

NM_003924.4(PHOX2B):c.772G>A (p.Ala258Thr)

Genes: PHOX2B (paired like homeobox 2B; minus strand), LOC110011216 (paired like homeobox 2b polyalanine repeat instability region; plus strand). Cytogenetic location: 4p13.
Variant type: single nucleotide variant.
Coding change: c.772G>A on transcript NM_003924.4 (MANE Select); coding-DNA position 772, G replaced by A.
Protein change: p.Ala258Thr; replaces alanine 258 with threonine.
Molecular consequence: missense variant.
Genome position (GRCh38, 1-based): chr4:41,745,980, C>T on the plus strand (G>A on the coding strand, the complement: PHOX2B is on the minus strand). VCF-style: chr4-41745980-C-T. GRCh37 (hg19) VCF-style: chr4-41747997-C-T.
Other names: short protein forms A258T.
Identifiers: ClinVar variation 2863250 (VCV002863250.4), dbSNP rs771759878, ClinGen allele CA2901429.